The following is an entry in ClinVar:

NM_016284.5(CNOT1):c.4633G>T (p.Val1545Phe)

Gene: CNOT1 (CCR4-NOT transcription complex subunit 1; minus strand). Cytogenetic location: 16q21.
Variant type: single nucleotide variant.
Coding change: c.4633G>T on transcript NM_016284.5 (MANE Select); coding-DNA position 4633, G replaced by T.
Protein change: p.Val1545Phe; replaces valine 1545 with phenylalanine.
Molecular consequence: missense variant. On other transcripts: non-coding transcript variant (1).
Genome position (GRCh38, 1-based): chr16:58,542,278, C>A on the plus strand (G>T on the coding strand, the complement: CNOT1 is on the minus strand). VCF-style: chr16-58542278-C-A. GRCh37 (hg19) VCF-style: chr16-58576182-C-A.
Other names: c.4618G>T, p.Val1540Phe (NM_001265612.2); short protein forms V1540F, V1545F.
Identifiers: ClinVar variation 1705017 (VCV001705017.2), dbSNP rs2543891041, ClinGen allele CA396168570.

ClinVar aggregate classification (germline): Uncertain significance (1 of 4 stars; one submission).

Submission:

GeneDx
Classification: Uncertain significance. Last evaluated: 2022-03-10. Review status: criteria provided, single submitter. Criteria: GeneDx Variant Classification Process June 2021. Collection method: clinical testing. Allele origin: germline. Affected: yes.
Comment: Not observed at significant frequency in large population cohorts (gnomAD); In silico analysis supports that this missense variant has a deleterious effect on protein structure/function; Has not been previously published as pathogenic or benign to our knowledge